The following is an entry in ClinVar:

NM_004304.5(ALK):c.3751G>C (p.Ala1251Pro)

Gene: ALK (ALK receptor tyrosine kinase; minus strand). Cytogenetic location: 2p23.2.
Variant type: single nucleotide variant.
Coding change: c.3751G>C on transcript NM_004304.5 (MANE Select); coding-DNA position 3751, G replaced by C.
Protein change: p.Ala1251Pro; replaces alanine 1251 with proline.
Molecular consequence: missense variant.
Genome position (GRCh38, 1-based): chr2:29,209,871, C>G on the plus strand (G>C on the coding strand, the complement: ALK is on the minus strand). VCF-style: chr2-29209871-C-G. GRCh37 (hg19) VCF-style: chr2-29432737-C-G.
Other names: c.547G>C, p.Ala183Pro (NM_001353765.2); short protein forms A183P, A1251P.
Identifiers: ClinVar variation 4843246 (VCV004843246.1).

ClinVar aggregate classification (germline): Uncertain significance (1 of 4 stars; one submission).

Conditions:
Hereditary cancer-predisposing syndrome. Also called: Neoplastic Syndromes, Hereditary; Tumor predisposition; Hereditary Cancer Syndrome; Hereditary neoplastic syndrome. Identifiers: Orphanet 140162, MedGen C0027672, MeSH D009386, MONDO:0015356.

Submission:

Ambry Genetics
Classification: Uncertain significance for Hereditary cancer-predisposing syndrome. Last evaluated: 2025-12-22. Review status: criteria provided, single submitter. Criteria: Ambry Variant Classification Scheme 2023. Collection method: clinical testing. Allele origin: germline.
Comment: The p.A1251P variant (also known as c.3751G>C), located in coding exon 25 of the ALK gene, results from a G to C substitution at nucleotide position 3751. The alanine at codon 1251 is replaced by proline, an amino acid with highly similar properties. This amino acid position is conserved. In addition, this alteration is predicted to be deleterious by in silico analysis. Based on the available evidence, the clinical significance of this variant remains unclear.